The following is an entry in ClinVar:

ClinVar aggregate classification (germline): Pathogenic (1 of 4 stars; one submission).

Conditions:
Leukodystrophy, hypomyelinating, 3. Identifiers: Orphanet 280270, Orphanet 280293, MedGen C1850053, MONDO:0009843, OMIM 260600.

Submission:

3billion
Classification: Pathogenic for Leukodystrophy, hypomyelinating, 3. Last evaluated: 2023-08-25. Review status: criteria provided, single submitter. Criteria: ACMG Guidelines, 2015. Collection method: clinical testing. Allele origin: germline. Affected: yes.
Comment: The variant is not observed in the gnomAD v2.1.1 dataset. Predicted Consequence/Location: Stop-gained (nonsense): predicted to result in a loss or disruption of normal protein function through nonsense-mediated decay (NMD) or protein truncation. Multiple pathogenic variants are reported downstream of the variant. Therefore, this variant is classified as Pathogenic according to the recommendation of ACMG/AMP guideline.

NM_001142416.2(AIMP1):c.695C>A (p.Ser232Ter)

Gene: AIMP1 (aminoacyl tRNA synthetase complex interacting multifunctional protein 1; plus strand). Cytogenetic location: 4q24.
Variant type: single nucleotide variant.
Coding change: c.695C>A on transcript NM_001142416.2 (MANE Select); coding-DNA position 695, C replaced by A.
Protein change: p.Ser232Ter; replaces serine 232 with a stop codon.
Molecular consequence: nonsense.
Genome position (GRCh38, 1-based): chr4:106,336,960, C>A. VCF-style: chr4-106336960-C-A. GRCh37 (hg19) VCF-style: chr4-107258117-C-A.
Other names: c.695C>A, p.Ser232Ter (NM_001142415.2, NM_004757.4); short protein forms S232*.
Identifiers: ClinVar variation 3776127 (VCV003776127.1).